The following is an entry in ClinVar:

ClinVar aggregate classification (germline): Pathogenic. Review status: reviewed by expert panel (3 of 4 stars). 3 submissions from 3 submitters: Pathogenic (1). 2 of the submissions do not count toward it. Last evaluated 2021-06-16.

Conditions:
Hypertrophic cardiomyopathy 1 (CMH1). Also called: MYH7-Related Familial Hypertrophic Cardiomyopathy; Familial hypertrophic cardiomyopathy 1. Identifiers: MedGen C3495498, MONDO:0008647, OMIM 192600.
Hypertrophic cardiomyopathy. Also called: HYPERTROPHIC MYOCARDIOPATHY. Identifiers: Orphanet 217569, MedGen C0007194, MeSH D002312, MONDO:0005045, HP:0001639.

Submissions (3):

ClinGen Cardiomyopathy Variant Curation Expert Panel
Classification: Pathogenic for Hypertrophic cardiomyopathy. Last evaluated: 2021-06-16. Review status: reviewed by expert panel. Criteria: ClinGen CMP ACMG Specifications v1. Collection method: curation. Allele origin: germline. Inheritance: Autosomal dominant inheritance.
Comment: The c.1357C>A (p.Arg453Ser) variant in MYH7 has been identified in 3 individuals with HCM, including 1 individual with early onset HCM (<20 yo; PS4_Supporting; Frazier 2008 PMID:18175163; Walsh 2017 PMID:27532257; Centenary Institute Sydney pers. comm.; LMM pers. comm.) and segregated with disease in 9 affected relatives with HCM from 2 families (PP1_Strong; Centenary Institute Sydney pers. comm.; LMM pers. comm.). This variant was absent from large population studies (PM2; http:/, v2.1.1). Computational prediction tools and conservation analysis suggest that this variant may impact the protein (PP3). Two different missense variants that have been classified as pathogenic by this expert panel have been previously identified at this codon, which indicate that this residue may be critical to the function of the protein (PM5; c.1358G>T, p.Arg453His - Variation ID 42838 and c.1357C>T, p.Arg453Cys - Variation ID 14089). This variant lies in the head region of the protein (aa 181-937) and missense variants in this region are statistically more likely to be disease-associated (PM1; Walsh 2017 PMID:27532257); however, because the other pathogenic variants at this codon were used to establish this enrichment, PM1 cannot be used in combination with PM5. In summary, this variant meets criteria to be classified as likely pathogenic for hypertrophic cardiomyopathy in an autosomal dominant manner. MYH7-specific ACMG/AMP criteria applied (Kelly 2018 PMID:29300372): PS4_Supporting; PP1_Strong; PM2; PP3; PM5.

OMIM
Classification: Pathogenic for CARDIOMYOPATHY, FAMILIAL HYPERTROPHIC, 1. Last evaluated: 2008-07-01. Review status: no assertion criteria provided. Collection method: literature only. Allele origin: germline. Not counted in ClinVar's aggregate classification.

Laboratory for Molecular Medicine, Mass General Brigham Personalized Medicine
Classification: Uncertain significance. Last evaluated: 2014-03-07. Review status: flagged submission. Collection method: clinical testing. Allele origin: germline. Observed: 2 variant alleles. Not counted in ClinVar's aggregate classification.
Comment: proposed classification - variant undergoing re-assessment, contact laboratory
ClinVar note: Reason: Conflicts with expert reviewed submission without evidence to support different classification

Literature cited by the submitters: PubMed 18175163 (cited by OMIM); PubMed 12084606 (cited by Laboratory for Molecular Medicine, Mass General Brigham Personalized Medicine); PubMed 12881443 (cited by Laboratory for Molecular Medicine, Mass General Brigham Personalized Medicine); PubMed 15856146 (cited by Laboratory for Molecular Medicine, Mass General Brigham Personalized Medicine); PubMed 12951062 (cited by Laboratory for Molecular Medicine, Mass General Brigham Personalized Medicine); PubMed 11133230 (cited by Laboratory for Molecular Medicine, Mass General Brigham Personalized Medicine).

NM_000257.4(MYH7):c.1357C>A (p.Arg453Ser)

Gene: MYH7 (myosin heavy chain 7; minus strand). Cytogenetic location: 14q11.2.
Variant type: single nucleotide variant.
Coding change: c.1357C>A on transcript NM_000257.4 (MANE Select); coding-DNA position 1357, C replaced by A.
Protein change: p.Arg453Ser; replaces arginine 453 with serine.
Molecular consequence: missense variant.
Genome position (GRCh38, 1-based): chr14:23,429,005, G>T on the plus strand (C>A on the coding strand, the complement: MYH7 is on the minus strand). VCF-style: chr14-23429005-G-T. GRCh37 (hg19) VCF-style: chr14-23898214-G-T.
Other names: NM_000257.4(MYH7):c.1357C>A; short protein forms R453S.
Identifiers: ClinVar variation 14129 (VCV000014129.5), dbSNP rs121913625, ClinGen allele CA010621.